The following is an entry in ClinVar:

ClinVar aggregate classification (germline): Benign/Likely benign. Review status: criteria provided, multiple submitters, no conflicts (2 of 4 stars). 4 submissions from 4 submitters: Benign (1); Likely benign (2). 1 of the submissions does not count toward it. Last evaluated 2025-01-31.

Conditions:
WDR81-related disorder. Also called: WDR81-related condition.
Inborn genetic diseases. Identifiers: MedGen C0950123, MeSH D030342.

Allele frequency attached by ClinVar (database versions not stated): gnomAD exomes 0.00026 and 0.00067; 1000 Genomes Project 0.00220; ESP Exome Variant Server 0.00235; gnomAD 0.00240 and 0.00256; 1000 Genomes Project 30x 0.00250; TOPMed 0.00278.
gnomAD v4.1: 753 of 1,585,312 alleles (0.047%); highest among the groups gnomAD compares: African/African-American, 0.87%; 3 homozygotes.

Submissions (4):

Ambry Genetics
Classification: Likely benign for Inborn genetic diseases. Last evaluated: 2025-01-31. Review status: criteria provided, single submitter. Criteria: Ambry Variant Classification Scheme 2023. Collection method: clinical testing. Allele origin: germline.

CeGaT Center for Human Genetics Tuebingen
Classification: Likely benign. Last evaluated: 2023-02-01. Review status: criteria provided, single submitter. Criteria: CeGaT Center For Human Genetics Tuebingen Variant Classification Criteria Version 2. Collection method: clinical testing. Allele origin: germline. Affected: yes. Observed: 2 variant alleles.
Comment: WDR81: BP4, BS2

Labcorp Genetics (formerly Invitae), Labcorp
Classification: Benign. Last evaluated: 2019-12-31. Review status: criteria provided, single submitter. Criteria: Invitae Variant Classification Sherloc (09022015). Collection method: clinical testing. Allele origin: germline.

PreventionGenetics, part of Exact Sciences
Classification: Likely benign for WDR81-related condition. Last evaluated: 2019-02-22. Review status: no assertion criteria provided. Collection method: clinical testing. Allele origin: germline. Not counted in ClinVar's aggregate classification.
Comment: This variant is classified as likely benign based on ACMG/AMP sequence variant interpretation guidelines (Richards et al. 2015 PMID: 25741868, with internal and published modifications).

NM_001163809.2(WDR81):c.3112G>A (p.Gly1038Arg)

Gene: WDR81 (WD repeat domain 81; plus strand). Cytogenetic location: 17p13.3.
Variant type: single nucleotide variant.
Coding change: c.3112G>A on transcript NM_001163809.2 (MANE Select); coding-DNA position 3112, G replaced by A.
Protein change: p.Gly1038Arg; replaces glycine 1038 with arginine.
Molecular consequence: missense variant. On other transcripts: 5 prime UTR variant (1), intron variant (2).
Genome position (GRCh38, 1-based): chr17:1,728,071, G>A. VCF-style: chr17-1728071-G-A. GRCh37 (hg19) VCF-style: chr17-1631365-G-A.
Other names: c.-42G>A (NM_152348.4); c.59-2309G>A (NM_001163673.2); c.-14-2309G>A (NM_001163811.2); short protein forms G1038R.
Identifiers: ClinVar variation 786299 (VCV000786299.30), dbSNP rs140132367, ClinGen allele CA8273176.